The following is an entry in ClinVar:

ClinVar aggregate classification (germline): Likely benign (1 of 4 stars; one submission).

Submission:

Center for Pediatric Genomic Medicine, Children's Mercy Hospital and Clinics
Classification: Likely benign. Last evaluated: 2016-03-18. Review status: criteria provided, single submitter. Criteria: ACMG Guidelines, 2015. Collection method: clinical testing. Allele origin: germline.
ClinVar note: Converted during submission from Likely Benign to Likely benign.

NC_012920.1(MT-CYB):m.15514T>C

Gene: MT-CYB (mitochondrially encoded cytochrome b; plus strand).
Variant type: single nucleotide variant.
Genome position: chrM-15514-T-C.
Identifiers: ClinVar variation 235650 (VCV000235650.3), dbSNP rs878853086, ClinGen allele CA10581386.